The following is an entry in ClinVar:

NM_006348.5(COG5):c.1659G>T (p.Leu553Phe)

Genes: COG5 (component of oligomeric golgi complex 5; minus strand), LOC129389837 (MPRA-validated peak6677 silencer; plus strand). Cytogenetic location: 7q22.3.
Variant type: single nucleotide variant.
Coding change: c.1659G>T on transcript NM_006348.5 (MANE Select); coding-DNA position 1659, G replaced by T.
Protein change: p.Leu553Phe; replaces leucine 553 with phenylalanine.
Molecular consequence: missense variant. On other transcripts: intron variant (1).
Genome position (GRCh38, 1-based): chr7:107,258,300, C>A on the plus strand (G>T on the coding strand, the complement: COG5 is on the minus strand). VCF-style: chr7-107258300-C-A. GRCh37 (hg19) VCF-style: chr7-106898745-C-A.
Other names: c.1659G>T, p.Leu553Phe (NM_001161520.2, NM_001379513.1, NM_001379514.1 and 1 more transcripts); c.1497G>T, p.Leu499Phe (NM_001379511.1); c.1089G>T, p.Leu363Phe (NM_001379515.1); c.945G>T, p.Leu315Phe (NM_001379516.1); c.1576-9801G>T (NM_001379512.1); c.1752G>T (NM_006348.3); short protein forms L363F, L553F, L315F, L499F.
Identifiers: ClinVar variation 1441085 (VCV001441085.9), dbSNP rs1006612410, ClinGen allele CA164684809.

ClinVar aggregate classification (germline): Uncertain significance. Review status: criteria provided, multiple submitters, no conflicts (2 of 4 stars). 2 submissions from 2 submitters: Uncertain significance (2). Last evaluated 2025-03-11.

Conditions:
COG5-congenital disorder of glycosylation. Also called: COG5-CDG; CDG IIi; CONGENITAL DISORDER OF GLYCOSYLATION, TYPE IIi. Identifiers: Orphanet 263487, MedGen C3150876, MONDO:0013325, OMIM 613612.

Allele frequency attached by ClinVar (database versions not stated): gnomAD 0.00001; gnomAD exomes below 0.00001; TOPMed 0.00001.
gnomAD v4.1: 3 of 1,610,576 alleles (0.00019%); highest among the groups gnomAD compares: Non-Finnish European, 0.00025%; no homozygotes.

Submissions (2):

Greenwood Genetic Center Diagnostic Laboratories, Greenwood Genetic Center
Classification: Uncertain significance. Last evaluated: 2025-03-11. Review status: criteria provided, single submitter. Criteria: ACMG Guidelines, 2015. Collection method: clinical testing. Allele origin: germline.
Comment: PM2

Labcorp Genetics (formerly Invitae), Labcorp
Classification: Uncertain significance for COG5-congenital disorder of glycosylation. Last evaluated: 2025-03-03. Review status: criteria provided, single submitter. Criteria: Invitae Variant Classification Sherloc (09022015). Collection method: clinical testing. Allele origin: germline.
Comment: This sequence change replaces leucine, which is neutral and non-polar, with phenylalanine, which is neutral and non-polar, at codon 584 of the COG5 protein (p.Leu584Phe). This variant is not present in population databases (gnomAD no frequency). This variant has not been reported in the literature in individuals affected with COG5-related conditions. ClinVar contains an entry for this variant (Variation ID: 1441085). Invitae Evidence Modeling of protein sequence and biophysical properties (such as structural, functional, and spatial information, amino acid conservation, physicochemical variation, residue mobility, and thermodynamic stability) indicates that this missense variant is expected to disrupt COG5 protein function with a positive predictive value of 80%. In summary, the available evidence is currently insufficient to determine the role of this variant in disease. Therefore, it has been classified as a Variant of Uncertain Significance.